The following is an entry in ClinVar:

ClinVar aggregate classification (germline): Conflicting classifications of pathogenicity. Review status: criteria provided, conflicting classifications (1 of 4 stars). 3 submissions from 3 submitters: Uncertain significance (2); Likely benign (1). Last evaluated 2023-03-23.

Conditions:
Hereditary cancer-predisposing syndrome. Also called: Neoplastic Syndromes, Hereditary; Tumor predisposition; Hereditary neoplastic syndrome; Hereditary Cancer Syndrome. Identifiers: Orphanet 140162, MedGen C0027672, MeSH D009386, MONDO:0015356.

Submissions (3):

University of Washington Department of Laboratory Medicine, University of Washington
Classification: Likely benign for Hereditary cancer-predisposing syndrome. Last evaluated: 2023-03-23. Review status: criteria provided, single submitter. Criteria: Dines et al. (Genet Med. 2020). Collection method: curation. Allele origin: germline.
Comment: Missense variant in a coldspot region where missense variants are very unlikely to be pathogenic (PMID:31911673).

BRCA2 exon 10 coldspot. Reclassification based on statistical prior probability.

Ambry Genetics
Classification: Uncertain significance for Hereditary cancer-predisposing syndrome. Last evaluated: 2022-06-09. Review status: criteria provided, single submitter. Criteria: Ambry Variant Classification Scheme 2023. Collection method: clinical testing. Allele origin: germline.
Comment: The p.P555L variant (also known as c.1664C>T), located in coding exon 9 of the BRCA2 gene, results from a C to T substitution at nucleotide position 1664. The proline at codon 555 is replaced by leucine, an amino acid with similar properties. This amino acid position is not well conserved in available vertebrate species. In addition, this alteration is predicted to be tolerated by in silico analysis. Since supporting evidence is limited at this time, the clinical significance of this alteration remains unclear.

Color Diagnostics, LLC DBA Color Health
Classification: Uncertain significance for Hereditary cancer-predisposing syndrome. Last evaluated: 2019-05-31. Review status: criteria provided, single submitter. Criteria: ACMG Guidelines, 2015. Collection method: clinical testing. Allele origin: germline.

NM_000059.4(BRCA2):c.1664C>T (p.Pro555Leu)

Gene: BRCA2 (BRCA2 DNA repair associated; plus strand). Cytogenetic location: 13q13.1.
Variant type: single nucleotide variant.
Coding change: c.1664C>T on transcript NM_000059.4 (MANE Select); coding-DNA position 1664, C replaced by T.
Protein change: p.Pro555Leu; replaces proline 555 with leucine.
Molecular consequence: missense variant.
Genome position (GRCh38, 1-based): chr13:32,333,142, C>T. VCF-style: chr13-32333142-C-T. GRCh37 (hg19) VCF-style: chr13-32907279-C-T.
Other names: short protein forms P555L.
Identifiers: ClinVar variation 628275 (VCV000628275.7), dbSNP rs1566224075, ClinGen allele CA387765046.